The following is an entry in ClinVar:

ClinVar aggregate classification (germline): Likely pathogenic (1 of 4 stars; one submission).

Conditions:
Epidermolysis bullosa pruriginosa. Also called: DEB, PRURIGINOSA; DYSTROPHIC EPIDERMOLYSIS BULLOSA PRURIGINOSA. Identifiers: Orphanet 89843, MedGen C1275114, MONDO:0011398, OMIM 604129.
Pretibial dystrophic epidermolysis bullosa. Also called: EPIDERMOLYSIS BULLOSA DYSTROPHICA, PRETIBIAL; Pretibial blistering; Pretibial epidermolysis bullosa. Identifiers: Orphanet 79410, MedGen C0432321, MONDO:0007552, OMIM 131850, HP:0012221.
Recessive dystrophic epidermolysis bullosa (RDEB). Also called: DYSTROPHIC EPIDERMOLYSIS BULLOSA, AUTOSOMAL RECESSIVE; EPIDERMOLYSIS BULLOSA DYSTROPHICA, HALLOPEAU-SIEMENS TYPE; Hallopeau-Siemens Disease; severe generalized recessive dystrophic epidermolysis bullosa; Epidermolysis Bullosa Distrophica Autosomal Recessive (RDEB); EPIDERMOLYSIS BULLOSA DYSTROPHICA, GENERALIZED SEVERE, AUTOSOMAL RECESSIVE. Identifiers: Orphanet 79408, Orphanet 79409, MedGen C0079474, MONDO:0009179, OMIM 226600.
Transient bullous dermolysis of the newborn (TBDN). Also called: DYSTROPHIC EPIDERMOLYSIS BULLOSA, NEONATAL; EPIDERMOLYSIS BULLOSA DYSTROPHICA, NEONATAL FORM. Identifiers: Orphanet 79411, MedGen C1851573, MONDO:0007548, OMIM 131705.

Allele frequency attached by ClinVar (database versions not stated): TOPMed 0.00001.

Submission:

Diagnostics Services (NGS), CSIR - Centre For Cellular And Molecular Biology
Classification: Likely pathogenic for Recessive dystrophic epidermolysis bullosa; Transient bullous dermolysis of the newborn; Epidermolysis bullosa pruriginosa; Pretibial dystrophic epidermolysis bullosa. Last evaluated: 2023-08-16. Review status: criteria provided, single submitter. Criteria: ACMG Guidelines, 2015. Collection method: clinical testing. Allele origin: germline. Affected: yes. Observed: 1 variant allele, 1 homozygote.
Comment: The c.3595C>T variant is not present in publicly available population databases like 1000 Genomes, ExAC, EVS, gnomAD, Indian Exome Database or our in-house exome database. This variant has neither been published in literature for COL7A1-related conditions nor reported to clinical databases like ClinVar, Human Genome Mutation Database (HGMD) or OMIM, in any affected individuals. In-silico pathogenicity prediction programs like MutationTaster2, CADD, Varsome, Franklin, InterVar etc predicted this variant to be likely deleterious. This variant creates a premature stiop signal at the 1199th amino acid position of wild-type transcript that may either result in translation of a truncated protein or cause nonsense mediated decay of the mRNA.

NM_000094.4(COL7A1):c.3595C>T (p.Gln1199Ter)

Gene: COL7A1 (collagen type VII alpha 1 chain; minus strand). Cytogenetic location: 3p21.31.
Variant type: single nucleotide variant.
Coding change: c.3595C>T on transcript NM_000094.4 (MANE Select); coding-DNA position 3595, C replaced by T.
Protein change: p.Gln1199Ter; replaces glutamine 1199 with a stop codon.
Molecular consequence: nonsense.
Genome position (GRCh38, 1-based): chr3:48,586,202, G>A on the plus strand (C>T on the coding strand, the complement: COL7A1 is on the minus strand). VCF-style: chr3-48586202-G-A. GRCh37 (hg19) VCF-style: chr3-48623635-G-A.
Other names: short protein forms Q1199*.
Identifiers: ClinVar variation 2577011 (VCV002577011.1), dbSNP rs1276620073, ClinGen allele CA352703630.